The following is an entry in ClinVar:

ClinVar aggregate classification (germline): Uncertain significance (1 of 4 stars; one submission).

Allele frequency attached by ClinVar (database versions not stated): gnomAD exomes below 0.00001; ExAC 0.00001; gnomAD 0.00001; TOPMed 0.00001.
gnomAD v4.1: 6 of 1,613,396 alleles (0.00037%); highest among the groups gnomAD compares: South Asian, 0.0011%; no homozygotes.

Submission:

Labcorp Genetics (formerly Invitae), Labcorp
Classification: Uncertain significance. Last evaluated: 2024-11-11. Review status: criteria provided, single submitter. Criteria: Invitae Variant Classification Sherloc (09022015). Collection method: clinical testing. Allele origin: germline.
Comment: This sequence change replaces glycine, which is neutral and non-polar, with arginine, which is basic and polar, at codon 401 of the ADAMTS13 protein (p.Gly401Arg). This variant is present in population databases (rs782033728, gnomAD 0.003%). This missense change has been observed in individuals with thrombotic thrombocytopenic purpura (PMID: 24859360, 31423067). ClinVar contains an entry for this variant (Variation ID: 2152073). Invitae Evidence Modeling of protein sequence and biophysical properties (such as structural, functional, and spatial information, amino acid conservation, physicochemical variation, residue mobility, and thermodynamic stability) indicates that this missense variant is expected to disrupt ADAMTS13 protein function with a positive predictive value of 80%. In summary, the available evidence is currently insufficient to determine the role of this variant in disease. Therefore, it has been classified as a Variant of Uncertain Significance.

Literature cited by the submitters: PubMed 24859360; PubMed 31423067.

NM_139027.6(ADAMTS13):c.1201G>A (p.Gly401Arg)

Gene: ADAMTS13 (ADAM metallopeptidase with thrombospondin type 1 motif 13; plus strand). Cytogenetic location: 9q34.2.
Variant type: single nucleotide variant.
Coding change: c.1201G>A on transcript NM_139027.6 (MANE Select); coding-DNA position 1201, G replaced by A.
Protein change: p.Gly401Arg; replaces glycine 401 with arginine.
Molecular consequence: missense variant.
Genome position (GRCh38, 1-based): chr9:133,433,486, G>A. VCF-style: chr9-133433486-G-A. GRCh37 (hg19) VCF-style: chr9-136298606-G-A.
Other names: c.1201G>A, p.Gly401Arg (NM_139025.5); c.1108G>A, p.Gly370Arg (NM_139026.6); short protein forms G401R, G370R.
Identifiers: ClinVar variation 2152073 (VCV002152073.4), dbSNP rs782033728, ClinGen allele CA200926973.